The following is an entry in ClinVar:

ClinVar aggregate classification (germline): Benign/Likely benign. Review status: criteria provided, multiple submitters, no conflicts (2 of 4 stars). 13 submissions from 13 submitters: Benign (6); Likely benign (3). 4 of the submissions do not count toward it. Last evaluated 2026-02-04.

Conditions:
PKD1-related disorder. Also called: PKD1-related condition.
Autosomal dominant polycystic kidney disease. Identifiers: Orphanet 730, MedGen C0085413, MONDO:0004691.
Polycystic kidney disease, adult type (PKD1). Also called: POLYCYSTIC KIDNEY DISEASE 1 WITH OR WITHOUT POLYCYSTIC LIVER DISEASE; Polycystic Kidney Disease 1, Autosomal Dominant; Polycystic kidney disease 1; Polycystic kidney disease 1, severe; Polycystic Kidney, Autosomal Dominant; POLYCYSTIC KIDNEY DISEASE, ADULT, TYPE I. Identifiers: MedGen C3149841, MONDO:0008263, OMIM 173900.
Polycystic kidney disease. Also called: Kidney, Polycystic; Polycystic kidney dysplasia. Identifiers: MedGen C0022680, MeSH D007690, MONDO:0020642, HP:0000113.

Allele frequency attached by ClinVar (database versions not stated): 1000 Genomes Project 0.00080; 1000 Genomes Project 30x 0.00109; ESP Exome Variant Server 0.00235; gnomAD 0.00317 and 0.00329; TOPMed 0.00365.
gnomAD v4.1: 8,406 of 1,592,700 alleles (0.53%); highest among the groups gnomAD compares: Non-Finnish European, 0.66%; 42 homozygotes.

Submissions (13):

Women's Health and Genetics/Laboratory Corporation of America, LabCorp
Classification: Benign. Last evaluated: 2026-02-04. Review status: criteria provided, single submitter. Criteria: LabCorp Variant Classification Summary - May 2015. Collection method: clinical testing. Allele origin: germline.

PreventionGenetics, part of Exact Sciences
Classification: Benign for PKD1-related condition. Last evaluated: 2025-12-30. Review status: criteria provided, single submitter. Criteria: ACMG Guidelines, 2015. Collection method: clinical testing. Allele origin: germline.
Comment: This variant is classified as benign based on ACMG/AMP sequence variant interpretation guidelines (Richards et al. 2015 PMID: 25741868, with internal and published modifications).

CeGaT Center for Human Genetics Tuebingen
Classification: Likely benign. Last evaluated: 2025-07-01. Review status: criteria provided, single submitter. Criteria: CeGaT Center For Human Genetics Tuebingen Variant Classification Criteria Version 2. Collection method: clinical testing. Allele origin: germline. Affected: yes. Observed: 5 variant alleles.
Comment: PKD1: BP4, BP7, BS2

Blueprint Genetics
Classification: Likely benign. Last evaluated: 2024-11-13. Review status: criteria provided, single submitter. Criteria: ACMG Guidelines, 2015. Collection method: clinical testing. Allele origin: germline.

Mayo Clinic Laboratories, Mayo Clinic
Classification: Benign. Last evaluated: 2024-01-03. Review status: criteria provided, single submitter. Criteria: ACMG Guidelines, 2015. Collection method: clinical testing. Allele origin: germline. Observed: 9 variant alleles.
Comment: BS1, BS2, BP4, BP7

GeneDx
Classification: Likely benign. Last evaluated: 2022-01-07. Review status: criteria provided, single submitter. Criteria: GeneDx Variant Classification Process June 2021. Collection method: clinical testing. Allele origin: germline. Affected: yes.
Comment: This variant is associated with the following publications: (PMID: 11967008, 10987650, 10200984)

ARUP Laboratories, Molecular Genetics and Genomics, ARUP Laboratories
Classification: Benign for Polycystic kidney disease, adult type. Last evaluated: 2019-05-24. Review status: criteria provided, single submitter. Criteria: ARUP Molecular Germline Variant Investigation Process. Collection method: clinical testing. Allele origin: germline.

Molecular Genetics of Inherited Kidney Disorders Laboratory, Garvan Institute of Medical Research
Classification: Benign for Autosomal dominant polycystic kidney disease. Last evaluated: 2019-01-01. Review status: criteria provided, single submitter. Criteria: ACMG Guidelines, 2015. Collection method: research. Allele origin: germline. Affected: yes.

Athena Diagnostics
Classification: Benign. Last evaluated: 2018-04-06. Review status: criteria provided, single submitter. Criteria: Athena Diagnostics Criteria. Collection method: clinical testing. Allele origin: germline.

Clinical Genetics DNA and cytogenetics Diagnostics Lab, Erasmus MC, Erasmus Medical Center
Classification: Likely benign. Review status: no assertion criteria provided. Collection method: clinical testing. Allele origin: germline. Affected: yes. Study: VKGL Data-share Consensus. Not counted in ClinVar's aggregate classification.

Department of Pathology and Laboratory Medicine, Sinai Health System
Classification: Likely benign for Polycystic Kidney disease. Review status: no assertion criteria provided. Collection method: clinical testing. Allele origin: unknown. Affected: yes. Observed: 5 variant alleles. Study: The Canadian Open Genetics Repository (COGR). Not counted in ClinVar's aggregate classification.
Comment: The PKD1 p.Ala3992Ala variant was identified in 4 of 732 proband chromosomes (frequency: 0.005) from individuals or families with ADPKD (Badenas 1999, Perrichot 1999, Rossetti 2002). The variant was also identified in dbSNP (ID: rs112387277) as â€šÃ„ÃºWith Likely benign alleleâ€šÃ„Ã¹, Clinvitae (classified as likely benign), ClinVar (classified as likely benign by Prevention Genetics), ADPKD Mutation Database (classified as likely neutral), the 1000 Genomes Project in 4 of 5000 chromosomes (frequency: 0.0008), the NHLBI GO Exome Sequencing Project in 29 of 8486 European American and in 1 of 4288 African American alleles, the Exome Aggregation Consortium database (August 8th 2016) in 262 (1 homozygous) of 59468 chromosomes (freq. 0.004) in the following populations: European in 196 of 31204 chromosomes (freq. 0.006), Asian in 30 of 11894 chromosomes (freq. 0.003), Latino in 21 of 5190 chromosomes (freq. 0.004), Finnish in 8 of 2492 chromosomes (freq. 0.003), African in 7 of 4082 chromosomes (freq. 0.002), increasing the likelihood this could be a low frequency benign variant. The p.Ala3992Ala variant is not expected to have clinical significance because it does not result in a change of amino acid and is not located in a known consensus splice site. In addition, in silico or computational prediction software programs (SpliceSiteFinder, MaxEntScan, NNSPLICE, GeneSplicer, HumanSpliceFinder) do not predict a difference in splicing. In summary, based on the above information, the clinical significance of this variant cannot be determined with certainty at this time although we would lean towards a more benign role for this variant. This variant is classified as likely benign.

Genome Diagnostics Laboratory, University Medical Center Utrecht
Classification: Likely benign. Review status: no assertion criteria provided. Collection method: clinical testing. Allele origin: germline. Affected: yes. Study: VKGL Data-share Consensus. Not counted in ClinVar's aggregate classification.

Laboratory of Diagnostic Genome Analysis, Leiden University Medical Center (LUMC)
Classification: Likely benign. Review status: no assertion criteria provided. Collection method: clinical testing. Allele origin: germline. Affected: yes. Study: VKGL Data-share Consensus. Not counted in ClinVar's aggregate classification.

Literature cited by the submitters: PubMed 10200984 (cited by Athena Diagnostics); PubMed 10987650 (cited by Athena Diagnostics); PubMed 11967008 (cited by Athena Diagnostics).

NM_001009944.3(PKD1):c.11976C>G (p.Ala3992=)

Gene: PKD1 (polycystin 1, transient receptor potential channel interacting; minus strand). Cytogenetic location: 16p13.3.
Variant type: single nucleotide variant.
Coding change: c.11976C>G on transcript NM_001009944.3 (MANE Select); coding-DNA position 11976, C replaced by G.
Protein change: p.Ala3992=; no amino-acid change (alanine 3992 retained).
Molecular consequence: synonymous variant.
Genome position (GRCh38, 1-based): chr16:2,090,911, G>C on the plus strand (C>G on the coding strand, the complement: PKD1 is on the minus strand). VCF-style: chr16-2090911-G-C. GRCh37 (hg19) VCF-style: chr16-2140912-G-C.
Other names: p.Ala3992=; c.11973C>G, p.Ala3991= (NM_000296.4).
Identifiers: ClinVar variation 256912 (VCV000256912.49), dbSNP rs112387277, ClinGen allele CA7828917.